The following is an entry in ClinVar:

ClinVar aggregate classification (germline): Benign (1 of 4 stars; one submission).

Allele frequency attached by ClinVar (database versions not stated): gnomAD 0.00925; TOPMed 0.01017; ESP Exome Variant Server 0.01078; gnomAD exomes 0.01234; ExAC 0.01238; 1000 Genomes Project 0.00499; 1000 Genomes Project 30x 0.00547.
gnomAD v4.1: 19,033 of 1,589,458 alleles (1.2%); highest among the groups gnomAD compares: Non-Finnish European, 1.4%; 152 homozygotes.

Submission:

CeGaT Center for Human Genetics Tuebingen
Classification: Benign. Last evaluated: 2023-08-01. Review status: criteria provided, single submitter. Criteria: CeGaT Center For Human Genetics Tuebingen Variant Classification Criteria Version 2. Collection method: clinical testing. Allele origin: germline. Affected: yes. Observed: 1 variant allele.
Comment: PLCB3: BS1, BS2

NM_000932.5(PLCB3):c.1691A>C (p.Glu564Ala)

Gene: PLCB3 (phospholipase C beta 3; plus strand). Cytogenetic location: 11q13.1.
Variant type: single nucleotide variant.
Coding change: c.1691A>C on transcript NM_000932.5 (MANE Select); coding-DNA position 1691, A replaced by C.
Protein change: p.Glu564Ala; replaces glutamic acid 564 with alanine.
Molecular consequence: missense variant.
Genome position (GRCh38, 1-based): chr11:64,260,194, A>C. VCF-style: chr11-64260194-A-C. GRCh37 (hg19) VCF-style: chr11-64027666-A-C.
Other names: c.1490A>C, p.Glu497Ala (NM_001184883.2); c.1691A>C, p.Glu564Ala (NM_001316314.3); short protein forms E497A, E564A.
Identifiers: ClinVar variation 2641913 (VCV002641913.24), dbSNP rs117874826, ClinGen allele CA6071536.